The following is an entry in ClinVar:

ClinVar aggregate classification (germline): Uncertain significance. Review status: criteria provided, multiple submitters, no conflicts (2 of 4 stars). 2 submissions from 2 submitters: Uncertain significance (2). Last evaluated 2025-08-21.

Conditions:
Hereditary cancer-predisposing syndrome. Also called: Neoplastic Syndromes, Hereditary; Hereditary Cancer Syndrome; Hereditary neoplastic syndrome; Tumor predisposition. Identifiers: Orphanet 140162, MedGen C0027672, MeSH D009386, MONDO:0015356.
Ataxia-telangiectasia syndrome (AT). Also called: ATAXIA-TELANGIECTASIA, COMPLEMENTATION GROUP A; ATAXIA-TELANGIECTASIA, FRESNO VARIANT; Ataxia-telangiectasia, complementation group E; Ataxia telangiectasia (A-T); LOUIS-BAR SYNDROME; Cerebello-oculocutaneous telangiectasia. Identifiers: Orphanet 100, MedGen C0004135, MONDO:0008840, OMIM 208900.

Submissions (2):

Ambry Genetics
Classification: Uncertain significance for Hereditary cancer-predisposing syndrome. Last evaluated: 2025-08-21. Review status: criteria provided, single submitter. Criteria: Ambry Variant Classification Scheme 2023. Collection method: clinical testing. Allele origin: germline.
Comment: The p.E1146K variant (also known as c.3436G>A), located in coding exon 23 of the ATM gene, results from a G to A substitution at nucleotide position 3436. The glutamic acid at codon 1146 is replaced by lysine, an amino acid with similar properties. This amino acid position is well conserved in available vertebrate species. In addition, this alteration is predicted to be tolerated by in silico analysis. Based on the available evidence, the clinical significance of this variant remains unclear.

Labcorp Genetics (formerly Invitae), Labcorp
Classification: Uncertain significance for Ataxia-telangiectasia syndrome. Last evaluated: 2025-03-25. Review status: criteria provided, single submitter. Criteria: Invitae Variant Classification Sherloc (09022015). Collection method: clinical testing. Allele origin: germline.
Comment: This sequence change replaces glutamic acid, which is acidic and polar, with lysine, which is basic and polar, at codon 1146 of the ATM protein (p.Glu1146Lys). This variant is not present in population databases (gnomAD no frequency). This variant has not been reported in the literature in individuals affected with ATM-related conditions. ClinVar contains an entry for this variant (Variation ID: 823770). Invitae Evidence Modeling of protein sequence and biophysical properties (such as structural, functional, and spatial information, amino acid conservation, physicochemical variation, residue mobility, and thermodynamic stability) indicates that this missense variant is not expected to disrupt ATM protein function with a negative predictive value of 95%. Algorithms developed to predict the effect of sequence changes on RNA splicing suggest that this variant may disrupt the consensus splice site. In summary, the available evidence is currently insufficient to determine the role of this variant in disease. Therefore, it has been classified as a Variant of Uncertain Significance.

NM_000051.4(ATM):c.3436G>A (p.Glu1146Lys)

Gene: ATM (ATM serine/threonine kinase; plus strand). Cytogenetic location: 11q22.3.
Variant type: single nucleotide variant.
Coding change: c.3436G>A on transcript NM_000051.4 (MANE Select); coding-DNA position 3436, G replaced by A.
Protein change: p.Glu1146Lys; replaces glutamic acid 1146 with lysine.
Molecular consequence: missense variant.
Genome position (GRCh38, 1-based): chr11:108,281,028, G>A. VCF-style: chr11-108281028-G-A. GRCh37 (hg19) VCF-style: chr11-108151755-G-A.
Other names: c.3436G>A, p.Glu1146Lys (NM_001351834.2); short protein forms E1146K.
Identifiers: ClinVar variation 823770 (VCV000823770.13), dbSNP rs1565441511, ClinGen allele CA382519160.